The following is an entry in ClinVar:

NM_022367.4(SEMA4A):c.1024T>C (p.Ser342Pro)

Gene: SEMA4A (semaphorin 4A; plus strand). Cytogenetic location: 1q22.
Variant type: single nucleotide variant.
Coding change: c.1024T>C on transcript NM_022367.4 (MANE Select); coding-DNA position 1024, T replaced by C.
Protein change: p.Ser342Pro; replaces serine 342 with proline.
Molecular consequence: missense variant.
Genome position (GRCh38, 1-based): chr1:156,162,984, T>C. VCF-style: chr1-156162984-T-C. GRCh37 (hg19) VCF-style: chr1-156132775-T-C.
Other names: c.1024T>C, p.Ser342Pro (NM_001193300.2, NM_001193301.2, NM_001370567.1); c.628T>C, p.Ser210Pro (NM_001193302.2); c.727T>C, p.Ser243Pro (NM_001370568.1); c.517T>C, p.Ser173Pro (NM_001370569.1, NM_001370571.1); short protein forms S173P, S210P, S342P, S243P.
Identifiers: ClinVar variation 2091402 (VCV002091402.4), dbSNP rs2528189681, ClinGen allele CA342840416.

ClinVar aggregate classification (germline): Uncertain significance (1 of 4 stars; one submission).

Submission:

Labcorp Genetics (formerly Invitae), Labcorp
Classification: Uncertain significance. Last evaluated: 2022-06-10. Review status: criteria provided, single submitter. Criteria: Invitae Variant Classification Sherloc (09022015). Collection method: clinical testing. Allele origin: germline.
Comment: This sequence change replaces serine, which is neutral and polar, with proline, which is neutral and non-polar, at codon 342 of the SEMA4A protein (p.Ser342Pro). This variant is not present in population databases (gnomAD no frequency). This variant has not been reported in the literature in individuals affected with SEMA4A-related conditions. Algorithms developed to predict the effect of missense changes on protein structure and function (SIFT, PolyPhen-2, Align-GVGD) all suggest that this variant is likely to be tolerated. In summary, the available evidence is currently insufficient to determine the role of this variant in disease. Therefore, it has been classified as a Variant of Uncertain Significance.